The following is an entry in ClinVar:

ClinVar aggregate classification (germline): Uncertain significance (1 of 4 stars; one submission).

Allele frequency attached by ClinVar (database versions not stated): gnomAD 0.00002; TOPMed 0.00001.
gnomAD v4.1: 7 of 1,614,040 alleles (0.00043%); highest among the groups gnomAD compares: South Asian, 0.0022%; no homozygotes.

Submission:

ARUP Laboratories, Molecular Genetics and Genomics, ARUP Laboratories
Classification: Uncertain significance. Last evaluated: 2018-04-06. Review status: criteria provided, single submitter. Criteria: ARUP Molecular Germline Variant Investigation Process. Collection method: clinical testing. Allele origin: germline.
Comment: The SLC25A19 c.125G>A; p.Arg42His variant (rs763480652), to our knowledge, is not reported in the medical literature, gene specific variation databases, nor has it been previously identified by our laboratory. This variant is listed in the genome Aggregation Database (gnomAD) with an overall population frequency of 0.003% (identified on 1 out of 30,968 chromosomes). The arginine at position 42 is highly conserved, considering 15 species, and computational analyses of the effects of the p.Arg42His variant on protein structure and function make conflicting predictions (SIFT: tolerated, PolyPhen-2: probably damaging). Based on the available information, the clinical significance of the p.Arg42His variant cannot be determined with certainty.

NM_001126121.2(SLC25A19):c.125G>A (p.Arg42His)

Gene: SLC25A19 (solute carrier family 25 member 19; minus strand). Cytogenetic location: 17q25.1.
Variant type: single nucleotide variant.
Coding change: c.125G>A on transcript NM_001126121.2 (MANE Select); coding-DNA position 125, G replaced by A.
Protein change: p.Arg42His; replaces arginine 42 with histidine.
Molecular consequence: missense variant.
Genome position (GRCh38, 1-based): chr17:75,286,640, C>T on the plus strand (G>A on the coding strand, the complement: SLC25A19 is on the minus strand). VCF-style: chr17-75286640-C-T. GRCh37 (hg19) VCF-style: chr17-73282721-C-T.
Other names: c.125G>A, p.Arg42His (NM_001126122.2, NM_021734.5); short protein forms R42H.
Identifiers: ClinVar variation 618875 (VCV000618875.8), dbSNP rs763480652, ClinGen allele CA294011719.
Genomic context (GRCh38, chr17:75,286,640, plus strand): 5'-AGAAAGACTGAACTTGTCCTCCAGTCCATTGCATGGAAAAAGGGGAAGAGTACCTGGAAA[C>T]GGATCTTGATGACGTCGAAGGGACTGATCAGCGCCCGAGTAACAAGTCCAGACACAGACC-3'
Protein context (NP_001119593.1, residues 32-52): LISPFDVIKI[Arg42His]FQLQHERLSR